The following is an entry in ClinVar:

NM_001098.3(ACO2):c.781A>G (p.Thr261Ala)

Gene: ACO2 (aconitase 2; plus strand). Cytogenetic location: 22q13.2.
Variant type: single nucleotide variant.
Coding change: c.781A>G on transcript NM_001098.3 (MANE Select); coding-DNA position 781, A replaced by G.
Protein change: p.Thr261Ala; replaces threonine 261 with alanine.
Molecular consequence: missense variant.
Genome position (GRCh38, 1-based): chr22:41,515,863, A>G. VCF-style: chr22-41515863-A-G. GRCh37 (hg19) VCF-style: chr22-41911867-A-G.
Other names: short protein forms T261A.
Identifiers: ClinVar variation 2111464 (VCV002111464.4), dbSNP rs2518222862, ClinGen allele CA411720446.

ClinVar aggregate classification (germline): Uncertain significance (1 of 4 stars; one submission).

Submission:

Labcorp Genetics (formerly Invitae), Labcorp
Classification: Uncertain significance. Last evaluated: 2022-11-15. Review status: criteria provided, single submitter. Criteria: Invitae Variant Classification Sherloc (09022015). Collection method: clinical testing. Allele origin: germline.
Comment: In summary, the available evidence is currently insufficient to determine the role of this variant in disease. Therefore, it has been classified as a Variant of Uncertain Significance. Advanced modeling of protein sequence and biophysical properties (such as structural, functional, and spatial information, amino acid conservation, physicochemical variation, residue mobility, and thermodynamic stability) performed at Invitae indicates that this missense variant is expected to disrupt ACO2 protein function. This variant has not been reported in the literature in individuals affected with ACO2-related conditions. This variant is not present in population databases (gnomAD no frequency). This sequence change replaces threonine, which is neutral and polar, with alanine, which is neutral and non-polar, at codon 261 of the ACO2 protein (p.Thr261Ala).